The following is an entry in ClinVar:

ClinVar aggregate classification (germline): Uncertain significance (1 of 4 stars; one submission).

Conditions:
HOXA13-related disorder. Also called: HOXA13-related condition.

Submission:

PreventionGenetics, part of Exact Sciences
Classification: Uncertain significance for HOXA13-related condition. Last evaluated: 2025-07-09. Review status: criteria provided, single submitter. Criteria: ACMG Guidelines, 2015. Collection method: clinical testing. Allele origin: germline.
Comment: The HOXA13 c.1013A>C variant is predicted to result in the amino acid substitution p.Glu338Ala. To our knowledge, this variant has not been reported in the literature or in a large population database (gnomAD), indicating this variant is rare. At this time, the clinical significance of this variant is uncertain due to the absence of conclusive functional and genetic evidence.

NM_000522.5(HOXA13):c.1013A>C (p.Glu338Ala)

Gene: HOXA13 (homeobox A13; minus strand). Cytogenetic location: 7p15.2.
Variant type: single nucleotide variant.
Coding change: c.1013A>C on transcript NM_000522.5 (MANE Select); coding-DNA position 1013, A replaced by C.
Protein change: p.Glu338Ala; replaces glutamic acid 338 with alanine.
Molecular consequence: missense variant.
Genome position (GRCh38, 1-based): chr7:27,198,352, T>G on the plus strand (A>C on the coding strand, the complement: HOXA13 is on the minus strand). VCF-style: chr7-27198352-T-G. GRCh37 (hg19) VCF-style: chr7-27237971-T-G.
Other names: short protein forms E338A.
Identifiers: ClinVar variation 4999333 (VCV004999333.1).
Genomic context (GRCh38, chr7:27,198,352, plus strand): 5'-GTGGCTGATATCCGCCTCCGTTTGTCCTTAGTAATGAATTTATTCGTGGCGTATTCCCGT[T>G]CAAGTTCTTTTAATTGCACCTTGGTATAAGGCACGCGCTTCTTTCTCCCCCTCCTATAGG-3'
Protein context (NP_000513.2, residues 328-348): PYTKVQLKEL[Glu338Ala]REYATNKFIT